The following is an entry in ClinVar:

NM_022369.4(STRA6):c.344_345del (p.Cys115fs)

Gene: STRA6 (signaling receptor and transporter of retinol STRA6; minus strand). Cytogenetic location: 15q24.1.
Variant type: Microsatellite.
Coding change: c.344_345del on transcript NM_022369.4 (MANE Select); coding-DNA positions 344 to 345, 2 bases deleted (GT; older notation c.344_345delGT).
Protein change: p.Cys115fs; shifts the reading frame from cysteine 115.
Molecular consequence: frameshift variant.
Genome position (GRCh38, 1-based): chr15:74,196,069-74,196,070, AC deleted on the plus strand (GT on the coding strand, the reverse complement: STRA6 is on the minus strand); deleting any 2 consecutive bases within chr15:74,196,069-74,196,073 gives the same sequence; the c. name uses the placement nearest the transcript's 3' end. VCF-style (leftmost placement, unchanged base first): chr15-74196068-AAC-A. GRCh37 (hg19) VCF-style: chr15-74488409-AAC-A.
Other names: c.344_345del, p.Cys115fs (NM_001142617.2, NM_001142618.2, NM_001142620.2); c.317_318del, p.Cys106fs (NM_001142619.2); c.455_456del, p.Cys152fs (NM_001199040.2); c.389_390del, p.Cys130fs (NM_001199041.2); c.461_462del, p.Cys154fs (NM_001199042.2); short protein forms C130fs, C106fs, C115fs, C152fs, C154fs.
Identifiers: ClinVar variation 451461 (VCV000451461.2), dbSNP rs1173479131, ClinGen allele CA491174953.

ClinVar aggregate classification (germline): Likely pathogenic (1 of 4 stars; one submission).

Submission:

GeneDx
Classification: Likely pathogenic. Last evaluated: 2017-08-15. Review status: criteria provided, single submitter. Criteria: GeneDx Variant Classification (06012015). Collection method: clinical testing. Allele origin: germline. Affected: yes.
Comment: The c.344_345delGT variant in the STRA6 gene has not been reported previously as a pathogenic variant nor as a benign variant, to our knowledge. The c.344_345delGT variant causes a frameshift starting with codon Cysteine 115, changes this amino acid to a Phenylalanine residue, and creates a premature Stop codon at position 25 of the new reading frame, denoted p.Cys115PhefsX25. This variant is predicted to cause loss of normal protein function either through protein truncation or nonsense-mediated mRNA decay. The c.344_345delGT variant is not observed in large population cohorts (Lek et al., 2016; 1000 Genomes Consortium et al., 2015; Exome Variant Server). We interpret c.344_345delGT as a likely pathogenic variant.